The following is an entry in ClinVar:

NM_014625.4(NPHS2):c.302G>A (p.Cys101Tyr)

Gene: NPHS2 (NPHS2 stomatin family member, podocin; minus strand). Cytogenetic location: 1q25.2.
Variant type: single nucleotide variant.
Coding change: c.302G>A on transcript NM_014625.4 (MANE Select); coding-DNA position 302, G replaced by A.
Protein change: p.Cys101Tyr; replaces cysteine 101 with tyrosine.
Molecular consequence: missense variant.
Genome position (GRCh38, 1-based): chr1:179,564,766, C>T on the plus strand (G>A on the coding strand, the complement: NPHS2 is on the minus strand). VCF-style: chr1-179564766-C-T. GRCh37 (hg19) VCF-style: chr1-179533901-C-T.
Other names: c.302G>A, p.Cys101Tyr (NM_001297575.2); short protein forms C101Y.
Identifiers: ClinVar variation 1049875 (VCV001049875.1), dbSNP rs777738678, ClinGen allele CA343571059.

ClinVar aggregate classification (germline): Uncertain significance (0 of 4 stars; one submission).

Allele frequency attached by ClinVar (database versions not stated): TOPMed below 0.00001.

Submission:

Department of Pathology and Laboratory Medicine, Sinai Health System
Classification: Uncertain significance. Review status: no assertion criteria provided. Collection method: clinical testing. Allele origin: unknown. Affected: yes. Study: The Canadian Open Genetics Repository (COGR).
Comment: The NPHS2 p.C101Y variant was not identified in the literature nor was it identified in dbSNP, ClinVar or in the following control databases: the 1000 Genomes Project, the NHLBI GO Exome Sequencing Project, or the Genome Aggregation Database (March 6, 2019, v2.1.1). The p.C101 residue is conserved in mammals and computational analyses (MUT Assesor, PolyPhen-2, SIFT, MutationTaster, Revel, FATHMM, MetaLR, DANN) suggest that the variant may impact the protein; however, this information is not predictive enough to assume pathogenicity. The variant occurs outside of the splicing consensus sequence and in silico or computational prediction software programs (Splice AI exome) do not predict a deleterious effect on splicing. In summary, based on the above information the clinical significance of this variant cannot be determined with certainty at this time. This variant is classified as a variant of uncertain significance.